The following is an entry in ClinVar:

ClinVar aggregate classification (germline): Likely benign. Review status: criteria provided, multiple submitters, no conflicts (2 of 4 stars). 2 submissions from 2 submitters: Likely benign (2). Last evaluated 2026-01-18.

Conditions:
Methylmalonic acidemia with homocystinuria, type cblX (MAHCX). Also called: INTELLECTUAL DEVELOPMENTAL DISORDER, X-LINKED 3. Identifiers: Orphanet 369962, MedGen C0796208, MONDO:0010657, OMIM 309541.

Allele frequency attached by ClinVar (database versions not stated): TOPMed below 0.00001; gnomAD exomes 0.00001 and 0.00002.
gnomAD v4.1: 10 of 1,186,018 alleles (0.00084%); highest among the groups gnomAD compares: Admixed American, 0.0022%; no homozygotes.

Submissions (2):

Labcorp Genetics (formerly Invitae), Labcorp
Classification: Likely benign for Methylmalonic acidemia with homocystinuria, type cblX. Last evaluated: 2026-01-18. Review status: criteria provided, single submitter. Criteria: Invitae Variant Classification Sherloc (09022015). Collection method: clinical testing. Allele origin: germline.

Women's Health and Genetics/Laboratory Corporation of America, LabCorp
Classification: Likely benign. Last evaluated: 2024-12-24. Review status: criteria provided, single submitter. Criteria: LabCorp Variant Classification Summary - May 2015. Collection method: clinical testing. Allele origin: germline.
Comment: Variant summary: HCFC1 c.504-5G>A alters a non-conserved nucleotide located close to a canonical splice site and therefore could affect mRNA splicing, leading to a significantly altered protein sequence. Consensus agreement among computation tools predict no significant impact on normal splicing. However, these predictions have yet to be confirmed by functional studies. The variant allele was found at a frequency of 8.5e-06 in 1181060 control chromosomes in the gnomAD database (v4.1 dataset), including 2 hemizygotes. To our knowledge, no occurrence of c.504-5G>A in individuals affected with Methylmalonic Acidemia With Homocystinuria and no experimental evidence demonstrating its impact on protein function have been reported. ClinVar contains an entry for this variant (Variation ID: 1648393). Based on the evidence outlined above, the variant was classified as likely benign.

NM_005334.3(HCFC1):c.504-5G>A

Gene: HCFC1 (host cell factor C1; minus strand). Cytogenetic location: Xq28.
Variant type: single nucleotide variant.
Coding change: c.504-5G>A on transcript NM_005334.3 (MANE Select); 5 bases into the intron before coding-DNA position 504, G replaced by A.
Molecular consequence: intron variant.
Genome position (GRCh38, 1-based): chrX:153,963,438, C>T on the plus strand (G>A on the coding strand, the complement: HCFC1 is on the minus strand). VCF-style: chrX-153963438-C-T. GRCh37 (hg19) VCF-style: chrX-153228889-C-T.
Identifiers: ClinVar variation 1648393 (VCV001648393.9), dbSNP rs1362015008, ClinGen allele CA645289877.